The following is an entry in ClinVar:

ClinVar aggregate classification (germline): Conflicting classifications of pathogenicity. Review status: criteria provided, conflicting classifications (1 of 4 stars). 20 submissions from 19 submitters: Uncertain significance (8); Benign (2); Likely benign (7). 3 of the submissions do not count toward it. Last evaluated 2026-02-03.

Conditions:
Familial ovarian cancer. Identifiers: MedGen C5679802, MONDO:0016248.
BRIP1-related disorder. Also called: BRIP1-related condition; BRIP1-related disorders. Identifiers: MedGen CN239206.
Breast and/or ovarian cancer. Identifiers: MedGen CN221562.
Familial cancer of breast. Also called: hereditary breast carcinoma; Hereditary breast cancer; BREAST CANCER, FAMILIAL. Identifiers: Orphanet 227535, MedGen C0346153, MONDO:0016419, OMIM 114480. Disease mechanism: loss of function.
Fanconi anemia complementation group J. Also called: BRIP1-Related Fanconi Anemia. Identifiers: Orphanet 84, MedGen C1836860, MONDO:0012187, OMIM 609054.
Hereditary cancer-predisposing syndrome. Also called: Neoplastic Syndromes, Hereditary; Tumor predisposition; Hereditary Cancer Syndrome; Hereditary neoplastic syndrome. Identifiers: Orphanet 140162, MedGen C0027672, MeSH D009386, MONDO:0015356.
Ovarian cancer. Also called: OVARIAN CANCER, SOMATIC. Identifiers: Orphanet 213500, MedGen C1140680, MONDO:0008170, OMIM 167000.
Hereditary breast ovarian cancer syndrome. Also called: BRCA1- and BRCA2-Associated Hereditary Breast and Ovarian Cancer; Hereditary breast and ovarian cancer; Hereditary breast and ovarian cancer syndrome; Hereditary breast and ovarian cancer syndrome (HBOC); Breast and ovarian cancer; Hereditary breast and/or ovarian cancer syndrome. Identifiers: Orphanet 145, MedGen C0677776, MeSH D061325, MONDO:0003582. Disease mechanism: loss of function.

Allele frequency attached by ClinVar (database versions not stated): gnomAD 0.00003 and 0.00010; TOPMed 0.00006; gnomAD exomes 0.00018; 1000 Genomes Project 30x 0.00047; 1000 Genomes Project 0.00060.
gnomAD v4.1: 276 of 1,613,956 alleles (0.017%); highest among the groups gnomAD compares: East Asian, 0.46%; 1 homozygote.

Submissions (20):

Labcorp Genetics (formerly Invitae), Labcorp
Classification: Benign for Familial cancer of breast; Fanconi anemia complementation group J. Last evaluated: 2026-02-03. Review status: criteria provided, single submitter. Criteria: Invitae Variant Classification Sherloc (09022015). Collection method: clinical testing. Allele origin: germline.

PreventionGenetics, part of Exact Sciences
Classification: Likely benign for BRIP1-related condition. Last evaluated: 2026-01-05. Review status: criteria provided, single submitter. Criteria: ACMG Guidelines, 2015. Collection method: clinical testing. Allele origin: germline.
Comment: This variant is classified as likely benign based on ACMG/AMP sequence variant interpretation guidelines (Richards et al. 2015 PMID: 25741868, with internal and published modifications).

German Consortium for Hereditary Breast and Ovarian Cancer, University Hospital Cologne
Classification: Likely benign for Hereditary breast ovarian cancer syndrome. Last evaluated: 2025-02-18. Review status: criteria provided, single submitter. Criteria: ACMG Guidelines, 2015. Collection method: curation. Allele origin: germline.
Comment: According to the ACMG SVI adaptation criteria we chose these criteria: BP4 (supporting benign): as per Pejaver (2022, PMID: 36413997): REVEL = 0.194, BS1 (strong benign): gnomAD v4.1.0 Grpmax Filtering AF = 0.004057 (= 0.4%) 276x het & 1x hom

Institute for Biomarker Research, Medical Diagnostic Laboratories, L.L.C.
Classification: Benign for Hereditary cancer-predisposing syndrome. Last evaluated: 2025-01-15. Review status: criteria provided, single submitter. Criteria: ACMG Guidelines, 2015. Collection method: clinical testing. Allele origin: germline.
Comment: The missense variant NM_032043.3(BRIP1):c.2830C>G (p.Gln944Glu) has not been reported previously as a pathogenic variant, to our knowledge. The variant is observed in one or more well-documented healthy adults.. The p.Gln944Glu variant is observed in 3/5,008 (0.0599%) alleles from individuals of 1kG All background in 1kG, which is greater than expected for the disorder. There is a small physicochemical difference between glutamine and glutamic acid, which is not likely to impact secondary protein structure as these residues share similar properties. For these reasons, this variant has been classified as Benign.

GeneDx
Classification: Uncertain significance. Last evaluated: 2024-09-05. Review status: criteria provided, single submitter. Criteria: GeneDx Variant Classification Process June 2021. Collection method: clinical testing. Allele origin: germline. Affected: yes.
Comment: Published functional studies demonstrate defective BRCA1 binding, decreased homologous recombination, and increased long-tract gene conversions in comparison to control cell lines (PMID: 28911102); Observed in individuals with a personal or family history of breast, ovarian, and prostate cancer (PMID: 18483852, 26921362, 26790966, 26976419, 28796317, 31214711, 30982232, 31742824, 33471991, 35264596); In silico analysis indicates that this missense variant does not alter protein structure/function; Also known as c.2971C>G; This variant is associated with the following publications: (PMID: 18483852, 26976419, 23161009, 26790966, 21964575, 21165771, 19856097, 20346647, 26709662, 26921362, 25256751, 23318652, 25428177, 28796317, 29173497, 31214711, 30295334, 31742824, 32300589, 32426482, 32255556, 32566746, 35681111, 33471991, 30982232, 33309985, 28911102, 35264596, 36243179, 11301010)

Women's Health and Genetics/Laboratory Corporation of America, LabCorp
Classification: Likely benign. Last evaluated: 2024-07-16. Review status: criteria provided, single submitter. Criteria: LabCorp Variant Classification Summary - May 2015. Collection method: clinical testing. Allele origin: germline.

Molecular Pathology, Peter Maccallum Cancer Centre
Classification: Likely benign for Familial ovarian cancer. Last evaluated: 2024-04-15. Review status: criteria provided, single submitter. Criteria: ACMG Guidelines, 2015. Collection method: clinical testing. Allele origin: germline. Inheritance: Autosomal dominant inheritance.

Department of Pathology and Laboratory Medicine, Sinai Health System
Classification: Uncertain significance for familial ovarian cancer. Last evaluated: 2023-03-30. Review status: criteria provided, single submitter. Criteria: ACMG Guidelines, 2015. Collection method: clinical testing. Allele origin: germline. Affected: no.

Myriad Genetics, Inc.
Classification: Uncertain significance for Familial cancer of breast. Last evaluated: 2023-03-02. Review status: criteria provided, single submitter. Criteria: Myriad Autosomal Dominant, Autosomal Recessive and X-Linked Classification Criteria (2023). Collection method: clinical testing. Allele origin: unknown.
Comment: This variant is classified as a variant of uncertain significance as there is insufficient evidence to determine its impact on protein function and/or cancer risk.

CHEO Genetics Diagnostic Laboratory, Children's Hospital of Eastern Ontario
Classification: Likely benign for Breast and/or ovarian cancer. Last evaluated: 2022-09-06. Review status: criteria provided, single submitter. Criteria: ACMG Guidelines, 2015. Collection method: clinical testing. Allele origin: germline.

Sema4
Classification: Uncertain significance for Hereditary cancer-predisposing syndrome. Last evaluated: 2022-01-15. Review status: criteria provided, single submitter. Criteria: Sema4 Curation Guidelines. Collection method: curation. Allele origin: germline.
Comment: The BRIP1 c.2830C>G (p.Q944E) variant has been reported in individuals with breast and/or ovarian cancer, pancreatic ductal adenocarcinoma, gastric cancer, as well as in controls (PMID: 26790966, 32255556, 32426482, 31742824, 33471991, among others). It was observed in 48/19954 chromosomes of the East Asian (EAS) subpopulation in the large and broad cohorts of the Genome Aggregation Database (PMID: 32461654). The variant has been reported in ClinVar (Variation ID 128180). Functional studies have shown that the variant alters BRCA1 interaction (PMID: 28911102). The evidence is insufficient to meet ACMG/AMP criteria for classifying the variant as benign or pathogenic. Thus, the clinical significance of this variant is currently uncertain.

Revvity Omics, Revvity
Classification: Uncertain significance for Fanconi anemia complementation group J. Last evaluated: 2022-01-04. Review status: criteria provided, single submitter. Criteria: ACMG Guidelines, 2015. Collection method: clinical testing. Allele origin: germline.

Ambry Genetics
Classification: Likely benign for Hereditary cancer-predisposing syndrome. Last evaluated: 2021-10-11. Review status: criteria provided, single submitter. Criteria: Ambry Variant Classification Scheme 2023. Collection method: clinical testing. Allele origin: germline.

Color Diagnostics, LLC DBA Color Health
Classification: Likely benign for Hereditary cancer-predisposing syndrome. Last evaluated: 2021-04-22. Review status: criteria provided, single submitter. Criteria: ACMG Guidelines, 2015. Collection method: clinical testing. Allele origin: germline.

Cancer Genomics Group, Japanese Foundation For Cancer Research
Classification: Uncertain significance for Hereditary breast and ovarian cancer syndrome. Last evaluated: 2019-05-01. Review status: criteria provided, single submitter. Criteria: ACMG Guidelines, 2015. Collection method: research. Allele origin: germline. Affected: yes.

Mendelics
Classification: Uncertain significance for Fanconi anemia, complementation group J. Last evaluated: 2018-07-02. Review status: criteria provided, single submitter. Criteria: Mendelics Assertion Criteria 2017. Collection method: clinical testing. Allele origin: unknown.

Illumina Laboratory Services, Illumina
Classification: Uncertain significance for Fanconi anemia complementation group J. Last evaluated: 2017-04-28. Review status: criteria provided, single submitter. Criteria: ICSL Variant Classification Criteria 13 December 2019. Collection method: clinical testing. Allele origin: germline.

Leiden Open Variation Database
Classification: Benign. Last evaluated: 2019-08-13. Review status: no assertion criteria provided. Collection method: curation. Allele origin: germline. Affected: yes. Not counted in ClinVar's aggregate classification.
Comment: Curator: Arleen D. Auerbach. Submitter to LOVD: Yukihide Momozawa.

Counsyl
Classification: Uncertain significance for Fanconi anemia complementation group J. Last evaluated: 2016-08-23. Review status: no assertion criteria provided. Collection method: clinical testing. Allele origin: unknown. Not counted in ClinVar's aggregate classification.

Counsyl
Classification: Uncertain significance for Ovarian cancer. Last evaluated: 2016-08-23. Review status: no assertion criteria provided. Collection method: clinical testing. Allele origin: unknown. Not counted in ClinVar's aggregate classification.

Literature cited by the submitters: PubMed 21964575 (cited by Women's Health and Genetics/Laboratory Corporation of America, LabCorp and Department of Pathology and Laboratory Medicine, Sinai Health System); PubMed 26976419 (cited by 4 submitters); PubMed 26790966 (cited by 5 submitters); PubMed 26921362 (cited by 3 submitters); PubMed 18483852 (cited by 4 submitters); PubMed 23161009 (cited by Women's Health and Genetics/Laboratory Corporation of America, LabCorp); PubMed 28796317 (cited by Women's Health and Genetics/Laboratory Corporation of America, LabCorp and Ambry Genetics); PubMed 28911102 (cited by 4 submitters); PubMed 30295334 (cited by Women's Health and Genetics/Laboratory Corporation of America, LabCorp); PubMed 30982232 (cited by Women's Health and Genetics/Laboratory Corporation of America, LabCorp); PubMed 31214711 (cited by 4 submitters); PubMed 33471991 (cited by Women's Health and Genetics/Laboratory Corporation of America, LabCorp and Sema4); PubMed 31742824 (cited by Department of Pathology and Laboratory Medicine, Sinai Health System and Sema4); PubMed 32255556 (cited by Sema4); PubMed 32426482 (cited by Sema4); PubMed 33309985 (cited by Ambry Genetics).

NM_032043.3(BRIP1):c.2830C>G (p.Gln944Glu)

Gene: BRIP1 (BRCA1 interacting DNA helicase 1; minus strand). Cytogenetic location: 17q23.2.
Variant type: single nucleotide variant.
Coding change: c.2830C>G on transcript NM_032043.3 (MANE Select); coding-DNA position 2830, C replaced by G.
Protein change: p.Gln944Glu; replaces glutamine 944 with glutamic acid.
Molecular consequence: missense variant.
Genome position (GRCh38, 1-based): chr17:61,685,911, G>C on the plus strand (C>G on the coding strand, the complement: BRIP1 is on the minus strand). VCF-style: chr17-61685911-G-C. GRCh37 (hg19) VCF-style: chr17-59763272-G-C.
Other names: p.Q944E:CAG>GAG; short protein forms Q944E.
Identifiers: ClinVar variation 128180 (VCV000128180.48), dbSNP rs140233356, ClinGen allele CA288570.
Genomic context (GRCh38, chr17:61,685,911, plus strand): 5'-AGATAATGCTACTTGGTAGAGGTGAATTTTTGGTAATAATTTTAGGACACTGTAGTTCCT[G>C]GACACATATCTTTGCTTCATCTTCCACAAAATTTTCTGGTGATAGATGACTTGCTGCTTC-3'
Protein context (NP_114432.2, residues 934-954): FVEDEAKICV[Gln944Glu]ELQCPKIITK